The following is an entry in ClinVar:

NM_005045.4(RELN):c.9903C>T (p.Tyr3301=)

Genes: RELN (reelin; minus strand), SLC26A5-AS1 (SLC26A5 antisense RNA 1; plus strand). Cytogenetic location: 7q22.1.
Variant type: single nucleotide variant.
Coding change: c.9903C>T on transcript NM_005045.4 (MANE Select); coding-DNA position 9903, C replaced by T.
Protein change: p.Tyr3301=; no amino-acid change (tyrosine 3301 retained).
Molecular consequence: synonymous variant.
Genome position (GRCh38, 1-based): chr7:103,486,277, G>A on the plus strand (C>T on the coding strand, the complement: RELN is on the minus strand). VCF-style: chr7-103486277-G-A. GRCh37 (hg19) VCF-style: chr7-103126724-G-A.
Other names: p.Tyr3301=; c.9903C>T, p.Tyr3301= (NM_173054.3).
Identifiers: ClinVar variation 130147 (VCV000130147.29), dbSNP rs73714404, ClinGen allele CA154951.

ClinVar aggregate classification (germline): Benign/Likely benign. Review status: criteria provided, multiple submitters, no conflicts (2 of 4 stars). 10 submissions from 10 submitters: Benign (5); Likely benign (1). 4 of the submissions do not count toward it. Last evaluated 2026-02-02.

Conditions:
Norman-Roberts syndrome (LIS2). Also called: Lissencephaly 2 (Norman-Roberts type). Identifiers: Orphanet 89844, MedGen C0796089, MONDO:0009760, OMIM 257320.
RELN-related disorder. Also called: RELN-related condition.
Familial temporal lobe epilepsy 7. Identifiers: Orphanet 101046, MedGen C4225327, MONDO:0014639, OMIM 616436.

Allele frequency attached by ClinVar (database versions not stated): gnomAD exomes 0.00122; gnomAD 0.01281 and 0.01371; TOPMed 0.01416; 1000 Genomes Project 30x 0.01437; 1000 Genomes Project 0.01458; ESP Exome Variant Server 0.01507.
gnomAD v4.1: 3,798 of 1,614,150 alleles (0.24%); highest among the groups gnomAD compares: African/African-American, 4.3%; 60 homozygotes.

Submissions (10):

Labcorp Genetics (formerly Invitae), Labcorp
Classification: Benign for Familial temporal lobe epilepsy 7; Norman-Roberts syndrome. Last evaluated: 2026-02-02. Review status: criteria provided, single submitter. Criteria: Invitae Variant Classification Sherloc (09022015). Collection method: clinical testing. Allele origin: germline.

Blueprint Genetics
Classification: Likely benign. Last evaluated: 2024-11-13. Review status: criteria provided, single submitter. Criteria: ACMG Guidelines, 2015. Collection method: clinical testing. Allele origin: germline.

Mayo Clinic Laboratories, Mayo Clinic
Classification: Benign. Last evaluated: 2018-12-10. Review status: criteria provided, single submitter. Criteria: ACMG Guidelines, 2015. Collection method: clinical testing. Allele origin: germline. Observed: 5 variant alleles.

Illumina Laboratory Services, Illumina
Classification: Benign for Norman-Roberts syndrome. Last evaluated: 2018-01-12. Review status: criteria provided, single submitter. Criteria: ICSL Variant Classification Criteria 13 December 2019. Collection method: clinical testing. Allele origin: germline.
Comment: This variant was observed in the ICSL laboratory as part of a predisposition screen in an ostensibly healthy population. It had not been previously curated by ICSL or reported in the Human Gene Mutation Database (HGMD: prior to June 1st, 2018), and was therefore a candidate for classification through an automated scoring system. Utilizing variant allele frequency, disease prevalence and penetrance estimates, and inheritance mode, an automated score was calculated to assess if this variant is too frequent to cause the disease. Based on the score and internal cut-off values, a variant classified as benign is not then subjected to further curation. The score for this variant resulted in a classification of benign for this disease.

GeneDx
Classification: Benign. Last evaluated: 2015-09-23. Review status: criteria provided, single submitter. Criteria: GeneDx Variant Classification (06012015). Collection method: clinical testing. Allele origin: germline. Affected: yes.
Comment: This variant is considered likely benign or benign based on one or more of the following criteria: it is a conservative change, it occurs at a poorly conserved position in the protein, it is predicted to be benign by multiple in silico algorithms, and/or has population frequency not consistent with disease.

Breakthrough Genomics
Classification: Benign. Review status: criteria provided, single submitter. Criteria: ACMG Guidelines, 2015. Collection method: not provided. Allele origin: germline. Inheritance: Autosomal recessive inheritance. Affected: yes.

PreventionGenetics, part of Exact Sciences
Classification: Benign for RELN-related condition. Last evaluated: 2019-05-09. Review status: no assertion criteria provided. Collection method: clinical testing. Allele origin: germline. Not counted in ClinVar's aggregate classification.
Comment: This variant is classified as benign based on ACMG/AMP sequence variant interpretation guidelines (Richards et al. 2015 PMID: 25741868, with internal and published modifications).

Clinical Genetics DNA and cytogenetics Diagnostics Lab, Erasmus MC, Erasmus Medical Center
Classification: Likely benign. Review status: no assertion criteria provided. Collection method: clinical testing. Allele origin: germline. Affected: yes. Study: VKGL Data-share Consensus. Not counted in ClinVar's aggregate classification.

Clinical Genetics, Academic Medical Center
Classification: Benign. Review status: no assertion criteria provided. Collection method: clinical testing. Allele origin: germline. Affected: yes. Study: VKGL Data-share Consensus. Not counted in ClinVar's aggregate classification.

Genetic Services Laboratory, University of Chicago
Classification: Likely benign for AllHighlyPenetrant. Review status: no assertion criteria provided. Collection method: clinical testing. Allele origin: germline. Inheritance: Autosomal recessive inheritance. Not counted in ClinVar's aggregate classification.
Comment: Likely benign based on allele frequency in 1000 Genomes Project or ESP global frequency and its presence in a patient with a rare or unrelated disease phenotype. NOT Sanger confirmed.